The following is an entry in ClinVar:

ClinVar aggregate classification (germline): Conflicting classifications of pathogenicity. Review status: criteria provided, conflicting classifications (1 of 4 stars). 3 submissions from 3 submitters: Uncertain significance (2); Likely benign (1). Last evaluated 2026-07-01.

Conditions:
MORC2-related disorder. Also called: MORC2-related condition.
Charcot-Marie-Tooth disease axonal type 2Z. Also called: CHARCOT-MARIE-TOOTH DISEASE, AXONAL, AUTOSOMAL DOMINANT, TYPE 2Z; CHARCOT-MARIE-TOOTH NEUROPATHY, TYPE 2Z. Identifiers: Orphanet 466768, MedGen C5569025, MONDO:0014736, OMIM 616688.

Allele frequency attached by ClinVar (database versions not stated): TOPMed 0.00001; gnomAD 0.00002; gnomAD exomes 0.00002; ESP Exome Variant Server 0.00008.

Submissions (3):

CeGaT Center for Human Genetics Tuebingen
Classification: Likely benign. Last evaluated: 2026-07-01. Review status: criteria provided, single submitter. Criteria: CeGaT Center For Human Genetics Tuebingen Variant Classification Criteria Version 2. Collection method: clinical testing. Allele origin: germline. Affected: yes. Observed: 1 variant allele.
Comment: MORC2: BP4

PreventionGenetics, part of Exact Sciences
Classification: Uncertain significance for MORC2-related condition. Last evaluated: 2026-01-22. Review status: criteria provided, single submitter. Criteria: ACMG Guidelines, 2015. Collection method: clinical testing. Allele origin: germline.
Comment: The MORC2 c.940C>T variant is predicted to result in the amino acid substitution p.Arg314Trp. To our knowledge, this variant has not been reported in the literature. This variant is reported in 0.0080% of alleles in individuals of European (Finnish) descent in gnomAD. At this time, the clinical significance of this variant is uncertain due to the absence of conclusive functional and genetic evidence.

Labcorp Genetics (formerly Invitae), Labcorp
Classification: Uncertain significance for Charcot-Marie-Tooth disease axonal type 2Z. Last evaluated: 2024-08-01. Review status: criteria provided, single submitter. Criteria: Invitae Variant Classification Sherloc (09022015). Collection method: clinical testing. Allele origin: germline.
Comment: This sequence change replaces arginine, which is basic and polar, with tryptophan, which is neutral and slightly polar, at codon 314 of the MORC2 protein (p.Arg314Trp). This variant is present in population databases (rs369654856, gnomAD 0.008%). This variant has not been reported in the literature in individuals affected with MORC2-related conditions. ClinVar contains an entry for this variant (Variation ID: 650086). Advanced modeling of protein sequence and biophysical properties (such as structural, functional, and spatial information, amino acid conservation, physicochemical variation, residue mobility, and thermodynamic stability) performed at Invitae indicates that this missense variant is expected to disrupt MORC2 protein function with a positive predictive value of 95%. In summary, the available evidence is currently insufficient to determine the role of this variant in disease. Therefore, it has been classified as a Variant of Uncertain Significance.

NM_001303256.3(MORC2):c.940C>T (p.Arg314Trp)

Gene: MORC2 (MORC family CW-type zinc finger 2; minus strand). Cytogenetic location: 22q12.2.
Variant type: single nucleotide variant.
Coding change: c.940C>T on transcript NM_001303256.3 (MANE Select); coding-DNA position 940, C replaced by T.
Protein change: p.Arg314Trp; replaces arginine 314 with tryptophan.
Molecular consequence: missense variant.
Genome position (GRCh38, 1-based): chr22:30,940,006, G>A on the plus strand (C>T on the coding strand, the complement: MORC2 is on the minus strand). VCF-style: chr22-30940006-G-A. GRCh37 (hg19) VCF-style: chr22-31335993-G-A.
Other names: c.940C>T, p.Arg314Trp (NM_001303257.2); c.754C>T, p.Arg252Trp (NM_014941.3); short protein forms R252W, R314W.
Identifiers: ClinVar variation 650086 (VCV000650086.11), dbSNP rs369654856, ClinGen allele CA10187097.